The following is an entry in ClinVar:

NM_019109.5(ALG1):c.863-14T>C

Gene: ALG1 (ALG1 chitobiosyldiphosphodolichol beta-mannosyltransferase; plus strand). Cytogenetic location: 16p13.3.
Variant type: single nucleotide variant.
Coding change: c.863-14T>C on transcript NM_019109.5 (MANE Select); 14 bases into the intron before coding-DNA position 863, T replaced by C.
Molecular consequence: intron variant.
Genome position (GRCh38, 1-based): chr16:5,079,050, T>C. VCF-style: chr16-5079050-T-C. GRCh37 (hg19) VCF-style: chr16-5129051-T-C.
Other names: c.530-14T>C (NM_001330504.2).
Identifiers: ClinVar variation 382048 (VCV000382048.5), dbSNP rs780024263, ClinGen allele CA7890065.

ClinVar aggregate classification (germline): Likely benign. Review status: criteria provided, multiple submitters, no conflicts (2 of 4 stars). 2 submissions from 2 submitters: Likely benign (2). Last evaluated 2023-03-14.

Conditions:
ALG1-congenital disorder of glycosylation. Also called: CDG Ik; CONGENITAL DISORDER OF GLYCOSYLATION, TYPE Ik; ALG1-CDG. Identifiers: Orphanet 79327, MedGen C2931005, MONDO:0012052, OMIM 608540.

Allele frequency attached by ClinVar (database versions not stated): gnomAD exomes below 0.00001 and 0.00001; ExAC 0.00001; gnomAD 0.00001.
gnomAD v4.1: 13 of 1,602,828 alleles (0.00081%); highest among the groups gnomAD compares: Non-Finnish European, 0.001%; no homozygotes.

Submissions (2):

Labcorp Genetics (formerly Invitae), Labcorp
Classification: Likely benign for ALG1-congenital disorder of glycosylation. Last evaluated: 2023-03-14. Review status: criteria provided, single submitter. Criteria: Invitae Variant Classification Sherloc (09022015). Collection method: clinical testing. Allele origin: germline.

GeneDx
Classification: Likely benign. Last evaluated: 2016-02-29. Review status: criteria provided, single submitter. Criteria: GeneDx Variant Classification (06012015). Collection method: clinical testing. Allele origin: germline. Affected: yes.
Comment: This variant is considered likely benign or benign based on one or more of the following criteria: it is a conservative change, it occurs at a poorly conserved position in the protein, it is predicted to be benign by multiple in silico algorithms, and/or has population frequency not consistent with disease.